The following is an entry in ClinVar:

ClinVar aggregate classification (germline): Conflicting classifications of pathogenicity. Review status: criteria provided, conflicting classifications (1 of 4 stars). 4 submissions from 4 submitters: Uncertain significance (3); Likely benign (1). Last evaluated 2025-10-14.

Allele frequency attached by ClinVar (database versions not stated): gnomAD 0.00015; TOPMed 0.00016; ExAC 0.00028; gnomAD exomes 0.00034; ESP Exome Variant Server 0.00046.

Submissions (4):

Labcorp Genetics (formerly Invitae), Labcorp
Classification: Uncertain significance. Last evaluated: 2025-10-14. Review status: criteria provided, single submitter. Criteria: Invitae Variant Classification Sherloc (09022015). Collection method: clinical testing. Allele origin: germline.
Comment: This sequence change replaces arginine, which is basic and polar, with glutamine, which is neutral and polar, at codon 118 of the MCM2 protein (p.Arg118Gln). This variant is present in population databases (rs139163788, gnomAD 0.04%), and has an allele count higher than expected for a pathogenic variant. This variant has not been reported in the literature in individuals affected with MCM2-related conditions. ClinVar contains an entry for this variant (Variation ID: 2311458). An algorithm developed to predict the effect of missense changes on protein structure and function (PolyPhen-2) suggests that this variant is likely to be tolerated. In summary, the available evidence is currently insufficient to determine the role of this variant in disease. Therefore, it has been classified as a Variant of Uncertain Significance.

CeGaT Center for Human Genetics Tuebingen
Classification: Likely benign. Last evaluated: 2025-04-01. Review status: criteria provided, single submitter. Criteria: CeGaT Center For Human Genetics Tuebingen Variant Classification Criteria Version 2. Collection method: clinical testing. Allele origin: germline. Affected: yes. Observed: 1 variant allele.
Comment: MCM2: BS2

Women's Health and Genetics/Laboratory Corporation of America, LabCorp
Classification: Uncertain significance. Last evaluated: 2024-12-26. Review status: criteria provided, single submitter. Criteria: LabCorp Variant Classification Summary - May 2015. Collection method: clinical testing. Allele origin: germline.
Comment: Variant summary: MCM2 c.353G>A (p.Arg118Gln) results in a conservative amino acid change in the encoded protein sequence. Four of five in-silico tools predict a benign effect of the variant on protein function. The variant allele was found at a frequency of 0.00017 in 245090 control chromosomes. This frequency is not significantly higher than estimated for a pathogenic variant in MCM2 causing Autosomal Dominant Nonsyndromic Hearing Loss 70, allowing no conclusion about variant significance. To our knowledge, no occurrence of c.353G>A in individuals affected with Autosomal Dominant Nonsyndromic Hearing Loss 70 and no experimental evidence demonstrating its impact on protein function have been reported. ClinVar contains an entry for this variant (Variation ID: 2311458). Based on the evidence outlined above, the variant was classified as uncertain significance.

Ambry Genetics
Classification: Uncertain significance. Last evaluated: 2021-08-13. Review status: criteria provided, single submitter. Criteria: Ambry Variant Classification Scheme 2023. Collection method: clinical testing. Allele origin: germline.

NM_004526.4(MCM2):c.353G>A (p.Arg118Gln)

Gene: MCM2 (minichromosome maintenance complex component 2; plus strand). Cytogenetic location: 3q21.3.
Variant type: single nucleotide variant.
Coding change: c.353G>A on transcript NM_004526.4 (MANE Select); coding-DNA position 353, G replaced by A.
Protein change: p.Arg118Gln; replaces arginine 118 with glutamine.
Molecular consequence: missense variant. On other transcripts: non-coding transcript variant (1).
Genome position (GRCh38, 1-based): chr3:127,604,724, G>A. VCF-style: chr3-127604724-G-A. GRCh37 (hg19) VCF-style: chr3-127323567-G-A.
Other names: short protein forms R118Q.
Identifiers: ClinVar variation 2311458 (VCV002311458.13), dbSNP rs139163788, ClinGen allele CA2595531.